The following is an entry in ClinVar:

NM_001042492.3(NF1):c.88A>G (p.Thr30Ala)

Gene: NF1 (neurofibromin 1; plus strand). Cytogenetic location: 17q11.2.
Variant type: single nucleotide variant.
Coding change: c.88A>G on transcript NM_001042492.3 (MANE Select); coding-DNA position 88, A replaced by G.
Protein change: p.Thr30Ala; replaces threonine 30 with alanine.
Molecular consequence: missense variant.
Genome position (GRCh38, 1-based): chr17:31,156,010, A>G. VCF-style: chr17-31156010-A-G. GRCh37 (hg19) VCF-style: chr17-29483028-A-G.
Other names: c.88A>G, p.Thr30Ala (NM_001128147.3, NM_000267.4); short protein forms T30A.
Identifiers: ClinVar variation 2502029 (VCV002502029.6), dbSNP rs1555604881, ClinGen allele CA398988174.

ClinVar aggregate classification (germline): Uncertain significance. Review status: criteria provided, multiple submitters, no conflicts (2 of 4 stars). 4 submissions from 4 submitters: Uncertain significance (4). Last evaluated 2024-03-28.

Conditions:
Cardiovascular phenotype. Identifiers: MedGen CN230736.
Hereditary cancer-predisposing syndrome. Also called: Tumor predisposition; Hereditary neoplastic syndrome; Neoplastic Syndromes, Hereditary; Hereditary Cancer Syndrome. Identifiers: Orphanet 140162, MedGen C0027672, MeSH D009386, MONDO:0015356.
Neurofibromatosis, familial spinal (FSNF). Identifiers: Orphanet 636, MedGen C1834235, MONDO:0008078, OMIM 162210. Disease mechanism: loss of function.
Neurofibromatosis, type 1 (NF1). Also called: Peripheral type neurofibromatosis; Neurofibromatosis, type I; VON RECKLINGHAUSEN DISEASE; NEUROFIBROMATOSIS, TYPE I, SOMATIC. Identifiers: Orphanet 636, MedGen C0027831, MONDO:0018975, OMIM 162200. Disease mechanism: loss of function.
Neurofibromatosis-Noonan syndrome (NFNS). Also called: NEUROFIBROMATOSIS WITH NOONAN PHENOTYPE. Identifiers: Orphanet 638, MedGen C2931482, MONDO:0011035, OMIM 601321. Disease mechanism: loss of function.
Café-au-lait macules with pulmonary stenosis (WTSN). Also called: PULMONIC STENOSIS WITH CAFE-AU-LAIT SPOTS. Identifiers: MedGen C0553586, MONDO:0008672, OMIM 193520.
Juvenile myelomonocytic leukemia (JMML). Also called: LEUKEMIA, JUVENILE MYELOMONOCYTIC, SOMATIC. Identifiers: Orphanet 86834, MedGen C0349639, MONDO:0011908, OMIM 607785, HP:0012209.

Submissions (4):

Fulgent Genetics
Classification: Uncertain significance for Neurofibromatosis, type 1; Neurofibromatosis, familial spinal; Café-au-lait macules with pulmonary stenosis; Neurofibromatosis-Noonan syndrome; Juvenile myelomonocytic leukemia. Last evaluated: 2024-03-28. Review status: criteria provided, single submitter. Criteria: ACMG Guidelines, 2015. Collection method: clinical testing. Allele origin: germline.

Labcorp Genetics (formerly Invitae), Labcorp
Classification: Uncertain significance for Neurofibromatosis, type 1. Last evaluated: 2024-02-19. Review status: criteria provided, single submitter. Criteria: Invitae Variant Classification Sherloc (09022015). Collection method: clinical testing. Allele origin: germline.
Comment: This sequence change replaces threonine, which is neutral and polar, with alanine, which is neutral and non-polar, at codon 30 of the NF1 protein (p.Thr30Ala). This variant is not present in population databases (gnomAD no frequency). This variant has not been reported in the literature in individuals affected with NF1-related conditions. ClinVar contains an entry for this variant (Variation ID: 2502029). Advanced modeling of protein sequence and biophysical properties (such as structural, functional, and spatial information, amino acid conservation, physicochemical variation, residue mobility, and thermodynamic stability) performed at Invitae indicates that this missense variant is expected to disrupt NF1 protein function with a positive predictive value of 80%. In summary, the available evidence is currently insufficient to determine the role of this variant in disease. Therefore, it has been classified as a Variant of Uncertain Significance.

Ambry Genetics
Classification: Uncertain significance for Cardiovascular phenotype; Hereditary cancer-predisposing syndrome. Last evaluated: 2023-09-05. Review status: criteria provided, single submitter. Criteria: Ambry Variant Classification Scheme 2023. Collection method: clinical testing. Allele origin: germline.
Comment: The p.T30A variant (also known as c.88A>G), located in coding exon 2 of the NF1 gene, results from an A to G substitution at nucleotide position 88. The threonine at codon 30 is replaced by alanine, an amino acid with similar properties. This amino acid position is highly conserved in available vertebrate species. In addition, this alteration is predicted to be tolerated by in silico analysis. Since supporting evidence is limited at this time, the clinical significance of this alteration remains unclear.

GeneDx
Classification: Uncertain significance. Last evaluated: 2022-11-10. Review status: criteria provided, single submitter. Criteria: GeneDx Variant Classification Process June 2021. Collection method: clinical testing. Allele origin: germline. Affected: yes.
Comment: Not observed at significant frequency in large population cohorts (gnomAD); In silico analysis supports that this missense variant has a deleterious effect on protein structure/function; Has not been previously published as pathogenic or benign to our knowledge